The following is an entry in ClinVar:

ClinVar aggregate classification (germline): Conflicting classifications of pathogenicity. Review status: criteria provided, conflicting classifications (1 of 4 stars). 3 submissions from 3 submitters: Likely pathogenic (1); Uncertain significance (2). Last evaluated 2022-03-17.

Submissions (3):

Labcorp Genetics (formerly Invitae), Labcorp
Classification: Likely pathogenic. Last evaluated: 2022-03-17. Review status: criteria provided, single submitter. Criteria: Invitae Variant Classification Sherloc (09022015). Collection method: clinical testing. Allele origin: germline.
Comment: In summary, the currently available evidence indicates that the variant is pathogenic, but additional data are needed to prove that conclusively. Therefore, this variant has been classified as Likely Pathogenic. Advanced modeling of protein sequence and biophysical properties (such as structural, functional, and spatial information, amino acid conservation, physicochemical variation, residue mobility, and thermodynamic stability) performed at Invitae indicates that this missense variant is expected to disrupt ABCA4 protein function. ClinVar contains an entry for this variant (Variation ID: 957567). This missense change has been observed in individuals with ABCA4-related conditions (Invitae). This variant is not present in population databases (gnomAD no frequency). This sequence change replaces asparagine, which is neutral and polar, with isoleucine, which is neutral and non-polar, at codon 1620 of the ABCA4 protein (p.Asn1620Ile).

GeneDx
Classification: Uncertain significance. Last evaluated: 2020-01-07. Review status: criteria provided, single submitter. Criteria: GeneDx Variant Classification Process June 2021. Collection method: clinical testing. Allele origin: germline. Affected: yes.
Comment: Not observed in large population cohorts (Lek et al., 2016); In silico analysis, which includes protein predictors and evolutionary conservation, supports a deleterious effect; Has not been previously published as pathogenic or benign to our knowledge

Blueprint Genetics
Classification: Uncertain significance. Last evaluated: 2019-05-14. Review status: criteria provided, single submitter. Criteria: ACMG Guidelines, 2015. Collection method: clinical testing. Allele origin: germline.

NM_000350.3(ABCA4):c.4859A>T (p.Asn1620Ile)

Genes: ABCA4 (ATP binding cassette subfamily A member 4; minus strand), LOC126805793 (CDK7 strongly-dependent group 2 enhancer GRCh37_chr1:94486302-94487501; plus strand). Cytogenetic location: 1p22.1.
Variant type: single nucleotide variant.
Coding change: c.4859A>T on transcript NM_000350.3 (MANE Select); coding-DNA position 4859, A replaced by T.
Protein change: p.Asn1620Ile; replaces asparagine 1620 with isoleucine.
Molecular consequence: missense variant.
Genome position (GRCh38, 1-based): chr1:94,021,399, T>A on the plus strand (A>T on the coding strand, the complement: ABCA4 is on the minus strand). VCF-style: chr1-94021399-T-A. GRCh37 (hg19) VCF-style: chr1-94486955-T-A.
Other names: c.4637A>T, p.Asn1546Ile (NM_001425324.1); short protein forms N1620I, N1546I.
Identifiers: ClinVar variation 957567 (VCV000957567.12), dbSNP rs1659893012, ClinGen allele CA341283222.